The following is an entry in ClinVar:

ClinVar aggregate classification (germline): Uncertain significance. Review status: criteria provided, multiple submitters, no conflicts (2 of 4 stars). 4 submissions from 4 submitters: Uncertain significance (4). Last evaluated 2026-03-16.

Conditions:
Inborn genetic diseases. Identifiers: MedGen C0950123, MeSH D030342.
Retinitis pigmentosa 51 (RP51). Identifiers: Orphanet 791, MedGen C3150715, MONDO:0013274, OMIM 613464.
Bardet-Biedl syndrome 8 (BBS8). Identifiers: Orphanet 110, MedGen C1859566, MONDO:0014436, OMIM 615985.
Bardet-Biedl syndrome (BBS). Identifiers: Orphanet 110, MedGen C0752166, MONDO:0015229.
TTC8-related disorder. Also called: TTC8-related condition.

Allele frequency attached by ClinVar (database versions not stated): ExAC 0.00001; gnomAD 0.00002; ESP Exome Variant Server 0.00015.
gnomAD v4.1: 51 of 1,613,552 alleles (0.0032%); highest among the groups gnomAD compares: Non-Finnish European, 0.0041%; no homozygotes.

Submissions (4):

PreventionGenetics, part of Exact Sciences
Classification: Uncertain significance for TTC8-related condition. Last evaluated: 2026-03-16. Review status: criteria provided, single submitter. Criteria: ACMG Guidelines, 2015. Collection method: clinical testing. Allele origin: germline.
Comment: The TTC8 c.506G>A variant is predicted to result in the amino acid substitution p.Ser169Asn. To our knowledge, this variant has not been reported in the literature. This variant is reported in 0.0023% of alleles in individuals of European (Non-Finnish) descent in gnomAD. At this time, the clinical significance of this variant is uncertain due to the absence of conclusive functional and genetic evidence.

Fulgent Genetics
Classification: Uncertain significance for Retinitis pigmentosa 51; Bardet-Biedl syndrome 8. Last evaluated: 2024-05-20. Review status: criteria provided, single submitter. Criteria: ACMG Guidelines, 2015. Collection method: clinical testing. Allele origin: germline.

Labcorp Genetics (formerly Invitae), Labcorp
Classification: Uncertain significance for Bardet-Biedl syndrome. Last evaluated: 2022-06-23. Review status: criteria provided, single submitter. Criteria: Invitae Variant Classification Sherloc (09022015). Collection method: clinical testing. Allele origin: germline.
Comment: In summary, the available evidence is currently insufficient to determine the role of this variant in disease. Therefore, it has been classified as a Variant of Uncertain Significance. Algorithms developed to predict the effect of missense changes on protein structure and function output the following: SIFT: "Tolerated"; PolyPhen-2: "Benign"; Align-GVGD: "Class C0". The asparagine amino acid residue is found in multiple mammalian species, which suggests that this missense change does not adversely affect protein function. This variant has not been reported in the literature in individuals affected with TTC8-related conditions. This variant is present in population databases (rs145642258, gnomAD 0.003%). This sequence change replaces serine, which is neutral and polar, with asparagine, which is neutral and polar, at codon 159 of the TTC8 protein (p.Ser159Asn).

Ambry Genetics
Classification: Uncertain significance for Inborn genetic diseases. Last evaluated: 2021-11-15. Review status: criteria provided, single submitter. Criteria: Ambry Variant Classification Scheme 2023. Collection method: clinical testing. Allele origin: germline.

NM_144596.4(TTC8):c.506G>A (p.Ser169Asn)

Gene: TTC8 (tetratricopeptide repeat domain 8; plus strand). Cytogenetic location: 14q31.3.
Variant type: single nucleotide variant.
Coding change: c.506G>A on transcript NM_144596.4 (MANE Select); coding-DNA position 506, G replaced by A.
Protein change: p.Ser169Asn; replaces serine 169 with asparagine.
Molecular consequence: missense variant. On other transcripts: 5 prime UTR variant (1), non-coding transcript variant (1), intron variant (3).
Genome position (GRCh38, 1-based): chr14:88,841,441, G>A. VCF-style: chr14-88841441-G-A. GRCh37 (hg19) VCF-style: chr14-89307785-G-A.
Other names: c.476G>A, p.Ser159Asn (NM_001288781.1, NM_001366535.2, NM_198309.3); c.-87G>A (NM_001288782.1); c.-199+245G>A (NM_001288783.1); c.459+245G>A (NM_198310.3, NM_001366536.2); c.476G>A (NM_198309.2); c.506G>A (NM_144596.3); short protein forms S159N, S169N.
Identifiers: ClinVar variation 2150649 (VCV002150649.5), dbSNP rs145642258, ClinGen allele CA7302503.